The following is an entry in ClinVar:

NM_001382567.1(STIM1):c.1597C>T (p.Arg533Cys)

Gene: STIM1 (stromal interaction molecule 1; plus strand). Cytogenetic location: 11p15.4.
Variant type: single nucleotide variant.
Coding change: c.1597C>T on transcript NM_001382567.1 (MANE Select); coding-DNA position 1597, C replaced by T.
Protein change: p.Arg533Cys; replaces arginine 533 with cysteine.
Molecular consequence: missense variant. On other transcripts: non-coding transcript variant (3).
Genome position (GRCh38, 1-based): chr11:4,086,506, C>T. VCF-style: chr11-4086506-C-T. GRCh37 (hg19) VCF-style: chr11-4107736-C-T.
Other names: c.1504C>T, p.Arg502Cys (NM_001277961.3, NM_001277962.2, NM_003156.4); c.1282C>T, p.Arg428Cys (NM_001382566.1, NM_001382575.1, NM_001382576.1 and 3 more transcripts); c.1525C>T, p.Arg509Cys (NM_001382568.1); c.1369C>T, p.Arg457Cys (NM_001382569.1); c.1276C>T, p.Arg426Cys (NM_001382570.1); c.1024C>T, p.Arg342Cys (NM_001382571.1); c.1015C>T, p.Arg339Cys (NM_001382580.1, NM_001382581.1); short protein forms R502C, R339C, R342C, R426C, R428C, R457C, R509C, R533C.
Identifiers: ClinVar variation 665131 (VCV000665131.13), dbSNP rs149456514, ClinGen allele CA5830514.
Genomic context (GRCh38, chr11:4,086,506, plus strand): 5'-CCTCCTGACACTTTCTTTATTCTCCTTGCAGCCCCTAGCCTGCAGAGCAGTGTTCGGCAG[C>T]GCCTGACGGAGCCACAGCATGGCCTGGGATCTCAGAGGTTGGTAGAGGGCGAGGCTGGCC-3'
Protein context (NP_001369496.1, residues 523-543): APSLQSSVRQ[Arg533Cys]LTEPQHGLGS

ClinVar aggregate classification (germline): Uncertain significance. Review status: criteria provided, multiple submitters, no conflicts (2 of 4 stars). 3 submissions from 3 submitters: Uncertain significance (3). Last evaluated 2025-12-22.

Conditions:
STIM1-related disorder. Also called: STIM1-related condition.
Inborn genetic diseases. Identifiers: MedGen C0950123, MeSH D030342.
Stormorken syndrome (STRMK). Also called: THROMBOCYTOPATHY, ASPLENIA, AND MIOSIS. Identifiers: Orphanet 3204, MedGen C1861451, MONDO:0008497, OMIM 185070.
Myopathy with tubular aggregates (TAM). Also called: Tubular Aggregate Myopathy. Identifiers: Orphanet 2593, MedGen C0410207, MONDO:0008051.
Combined immunodeficiency due to STIM1 deficiency. Also called: IMMUNODEFICIENCY 10; STIM1 DEFICIENCY. Identifiers: Orphanet 169090, Orphanet 317430, MedGen C2748557, MONDO:0013008, OMIM 612783.

Allele frequency attached by ClinVar (database versions not stated): TOPMed 0.00002; gnomAD exomes 0.00003 and 0.00007; gnomAD 0.00004 and 0.00005; ExAC 0.00005; ESP Exome Variant Server 0.00008; 1000 Genomes Project 30x 0.00016; 1000 Genomes Project 0.00020.
gnomAD v4.1: 51 of 1,614,138 alleles (0.0032%); highest among the groups gnomAD compares: East Asian, 0.029%; no homozygotes.

Submissions (3):

Labcorp Genetics (formerly Invitae), Labcorp
Classification: Uncertain significance for Myopathy with tubular aggregates; Combined immunodeficiency due to STIM1 deficiency; Stormorken syndrome. Last evaluated: 2025-12-22. Review status: criteria provided, single submitter. Criteria: Invitae Variant Classification Sherloc (09022015). Collection method: clinical testing. Allele origin: germline.
Comment: This sequence change replaces arginine, which is basic and polar, with cysteine, which is neutral and slightly polar, at codon 502 of the STIM1 protein (p.Arg502Cys). This variant is present in population databases (rs149456514, gnomAD 0.05%). This variant has not been reported in the literature in individuals affected with STIM1-related conditions. ClinVar contains an entry for this variant (Variation ID: 665131). Invitae Evidence Modeling of protein sequence and biophysical properties (such as structural, functional, and spatial information, amino acid conservation, physicochemical variation, residue mobility, and thermodynamic stability) has been performed for this missense variant. However, the output from this modeling did not meet the statistical confidence thresholds required to predict the impact of this variant on STIM1 protein function. In summary, the available evidence is currently insufficient to determine the role of this variant in disease. Therefore, it has been classified as a Variant of Uncertain Significance.

PreventionGenetics, part of Exact Sciences
Classification: Uncertain significance for STIM1-related condition. Last evaluated: 2025-12-03. Review status: criteria provided, single submitter. Criteria: ACMG Guidelines, 2015. Collection method: clinical testing. Allele origin: germline.
Comment: The STIM1 c.1504C>T variant is predicted to result in the amino acid substitution p.Arg502Cys. To our knowledge, this variant has not been reported in the literature. This variant is reported in 0.055% of alleles in individuals of East Asian descent in gnomAD, which may be too frequent to be a primary cause of disease. Although we suspect that this variant may be benign, at this time, the clinical significance of this variant is uncertain due to the absence of conclusive functional and genetic evidence.

Ambry Genetics
Classification: Uncertain significance for Inborn genetic diseases. Last evaluated: 2024-08-10. Review status: criteria provided, single submitter. Criteria: Ambry Variant Classification Scheme 2023. Collection method: clinical testing. Allele origin: germline.